The following is an entry in ClinVar:

ClinVar aggregate classification (germline): Uncertain significance (1 of 4 stars; one submission).

Conditions:
Alzheimer disease. Also called: Presenile and senile dementia; Alzheimer's disease. Identifiers: Orphanet 1020, MedGen C0002395, MeSH D000544, MONDO:0004975, HP:0002511.

Submission:

Labcorp Genetics (formerly Invitae), Labcorp
Classification: Uncertain significance for Alzheimer disease. Last evaluated: 2024-03-07. Review status: criteria provided, single submitter. Criteria: Invitae Variant Classification Sherloc (09022015). Collection method: clinical testing. Allele origin: germline.
Comment: This sequence change replaces alanine, which is neutral and non-polar, with glycine, which is neutral and non-polar, at codon 524 of the APP protein (p.Ala524Gly). This variant is not present in population databases (gnomAD no frequency). This variant has not been reported in the literature in individuals affected with APP-related conditions. Advanced modeling of protein sequence and biophysical properties (such as structural, functional, and spatial information, amino acid conservation, physicochemical variation, residue mobility, and thermodynamic stability) performed at Invitae indicates that this missense variant is not expected to disrupt APP protein function with a negative predictive value of 95%. In summary, the available evidence is currently insufficient to determine the role of this variant in disease. Therefore, it has been classified as a Variant of Uncertain Significance.

NM_000484.4(APP):c.1571C>G (p.Ala524Gly)

Genes: APP (amyloid beta precursor protein; minus strand), LOC126653330 (CDK7 strongly-dependent group 2 enhancer GRCh37_chr21:27326978-27328177; plus strand). Cytogenetic location: 21q21.3.
Variant type: single nucleotide variant.
Coding change: c.1571C>G on transcript NM_000484.4 (MANE Select); coding-DNA position 1571, C replaced by G.
Protein change: p.Ala524Gly; replaces alanine 524 with glycine.
Molecular consequence: missense variant.
Genome position (GRCh38, 1-based): chr21:25,955,643, G>C on the plus strand (C>G on the coding strand, the complement: APP is on the minus strand). VCF-style: chr21-25955643-G-C. GRCh37 (hg19) VCF-style: chr21-27327957-G-C.
Other names: c.1499C>G, p.Ala500Gly (NM_001136016.3); c.1178C>G, p.Ala393Gly (NM_001136129.3); c.1403C>G, p.Ala468Gly (NM_001136130.3, NM_001385253.1); c.1241C>G, p.Ala414Gly (NM_001136131.3); c.1571C>G, p.Ala524Gly (NM_001204301.2); c.1514C>G, p.Ala505Gly (NM_001204302.2, NM_201413.3); c.1346C>G, p.Ala449Gly (NM_001204303.2, NM_201414.3); short protein forms A414G, A468G, A393G, A449G, A524G, A500G, A505G.
Identifiers: ClinVar variation 3686756 (VCV003686756.2).